The following is an entry in ClinVar:

NM_004064.5(CDKN1B):c.460C>T (p.Arg154Ter)

Gene: CDKN1B (cyclin dependent kinase inhibitor 1B; plus strand). Cytogenetic location: 12p13.1.
Variant type: single nucleotide variant.
Coding change: c.460C>T on transcript NM_004064.5 (MANE Select); coding-DNA position 460, C replaced by T.
Protein change: p.Arg154Ter; replaces arginine 154 with a stop codon.
Molecular consequence: nonsense.
Genome position (GRCh38, 1-based): chr12:12,718,299, C>T. VCF-style: chr12-12718299-C-T. GRCh37 (hg19) VCF-style: chr12-12871233-C-T.
Other names: short protein forms R154*.
Identifiers: ClinVar variation 1398606 (VCV001398606.9), dbSNP rs1292160956, ClinGen allele CA383970935.

ClinVar aggregate classification (germline): Pathogenic. Review status: criteria provided, multiple submitters, no conflicts (2 of 4 stars). 2 submissions from 2 submitters: Pathogenic (2). Last evaluated 2025-12-05.

Conditions:
Hereditary cancer-predisposing syndrome. Also called: Neoplastic Syndromes, Hereditary; Hereditary neoplastic syndrome; Hereditary Cancer Syndrome; Tumor predisposition. Identifiers: Orphanet 140162, MedGen C0027672, MeSH D009386, MONDO:0015356.
Multiple endocrine neoplasia type 4. Also called: MULTIPLE ENDOCRINE NEOPLASIA, TYPE IV. Identifiers: Orphanet 276152, MedGen C1970712, MONDO:0012552, OMIM 610755.

Submissions (2):

Ambry Genetics
Classification: Pathogenic for Hereditary cancer-predisposing syndrome. Last evaluated: 2025-12-05. Review status: criteria provided, single submitter. Criteria: Ambry Variant Classification Scheme 2023. Collection method: clinical testing. Allele origin: germline.
Comment: The p.R154* pathogenic mutation (also known as c.460C>T), located in coding exon 1 of the CDKN1B gene, results from a C to T substitution at nucleotide position 460. This changes the amino acid from an arginine to a stop codon within coding exon 1. This variant is considered to be rare based on population cohorts in the Genome Aggregation Database (gnomAD). This alteration is expected to result in loss of function by premature protein truncation or nonsense-mediated mRNA decay. As such, this alteration is interpreted as a disease-causing mutation.

Labcorp Genetics (formerly Invitae), Labcorp
Classification: Pathogenic for Multiple endocrine neoplasia type 4. Last evaluated: 2025-07-31. Review status: criteria provided, single submitter. Criteria: Invitae Variant Classification Sherloc (09022015). Collection method: clinical testing. Allele origin: germline.
Comment: This sequence change creates a premature translational stop signal (p.Arg154*) in the CDKN1B gene. It is expected to result in an absent or disrupted protein product. Loss-of-function variants in CDKN1B are known to be pathogenic (PMID: 17030811, 24819502). This variant is not present in population databases (gnomAD no frequency). This variant has not been reported in the literature in individuals affected with CDKN1B-related conditions. ClinVar contains an entry for this variant (Variation ID: 1398606). For these reasons, this variant has been classified as Pathogenic.

Literature cited by the submitters: PubMed 17030811 (cited by Labcorp Genetics (formerly Invitae), Labcorp); PubMed 24819502 (cited by Labcorp Genetics (formerly Invitae), Labcorp).